The following is an entry in ClinVar:

NM_004655.4(AXIN2):c.1234A>C (p.Asn412His)

Gene: AXIN2 (axin 2; minus strand). Cytogenetic location: 17q24.1.
Variant type: single nucleotide variant.
Coding change: c.1234A>C on transcript NM_004655.4 (MANE Select); coding-DNA position 1234, A replaced by C.
Protein change: p.Asn412His; replaces asparagine 412 with histidine.
Molecular consequence: missense variant.
Genome position (GRCh38, 1-based): chr17:65,537,802, T>G on the plus strand (A>C on the coding strand, the complement: AXIN2 is on the minus strand). VCF-style: chr17-65537802-T-G. GRCh37 (hg19) VCF-style: chr17-63533920-T-G.
Other names: c.1234A>C, p.Asn412His (NM_001363813.1); short protein forms N412H.
Identifiers: ClinVar variation 4188174 (VCV004188174.1).
Genomic context (GRCh38, chr17:65,537,802, plus strand): 5'-CGTAGCTGCCGGAGGGCAGTAGGGAGAGGGGGTGCTGCGTGGGCGCCCCCTCCCGCGAAT[T>G]GAGTGTGAGCTCGGAGCCCTCTCTCTCTTCATCCTGAAAGGGAAGACGTCAGAAGGAGAA-3'
Protein context (NP_004646.3, residues 402-422): EEREGSELTL[Asn412His]SREGAPTQHP

ClinVar aggregate classification (germline): Uncertain significance (1 of 4 stars; one submission).

Conditions:
Hereditary cancer-predisposing syndrome. Also called: Neoplastic Syndromes, Hereditary; Tumor predisposition; Hereditary Cancer Syndrome; Hereditary neoplastic syndrome. Identifiers: Orphanet 140162, MedGen C0027672, MeSH D009386, MONDO:0015356.

Submission:

Ambry Genetics
Classification: Uncertain significance for Hereditary cancer-predisposing syndrome. Last evaluated: 2025-06-30. Review status: criteria provided, single submitter. Criteria: Ambry Variant Classification Scheme 2023. Collection method: clinical testing. Allele origin: germline.
Comment: The p.N412H variant (also known as c.1234A>C), located in coding exon 5 of the AXIN2 gene, results from an A to C substitution at nucleotide position 1234. The asparagine at codon 412 is replaced by histidine, an amino acid with similar properties. This amino acid position is conserved. In addition, this alteration is predicted to be tolerated by in silico analysis. Based on the available evidence, the clinical significance of this variant remains unclear.